The following is an entry in ClinVar:

NM_002448.3(MSX1):c.348C>T (p.Gly116=)

Genes: MSX1 (msh homeobox 1; plus strand), LOC129992137 (ATAC-STARR-seq lymphoblastoid silent region 15219; plus strand). Cytogenetic location: 4p16.2.
Variant type: single nucleotide variant.
Coding change: c.348C>T on transcript NM_002448.3 (MANE Select); coding-DNA position 348, C replaced by T.
Protein change: p.Gly116=; no amino-acid change (glycine 116 retained).
Molecular consequence: synonymous variant.
Genome position (GRCh38, 1-based): chr4:4,860,247, C>T. VCF-style: chr4-4860247-C-T. GRCh37 (hg19) VCF-style: chr4-4861974-C-T.
Identifiers: ClinVar variation 1165584 (VCV001165584.12), dbSNP rs34165410, ClinGen allele CA2832948.

ClinVar aggregate classification (germline): Benign. Review status: criteria provided, multiple submitters, no conflicts (2 of 4 stars). 4 submissions from 4 submitters: Benign (4). Last evaluated 2026-02-04.

Conditions:
Hypoplastic enamel-onycholysis-hypohidrosis syndrome (TNS). Also called: ECTODERMAL DYSPLASIA 3, TOOTH/NAIL TYPE; Tooth-and-Nail Syndrome; ECTODERMAL DYSPLASIA 3, WITKOP TYPE; NAIL DYSPLASIA WITH HYPODONTIA; WITKOP SYNDROME. Identifiers: Orphanet 2228, MedGen C0406735, MONDO:0008582, OMIM 189500.

Allele frequency attached by ClinVar (database versions not stated): ESP Exome Variant Server 0.04857; gnomAD 0.05963 and 0.06273; TOPMed 0.06350; 1000 Genomes Project 30x 0.09338; 1000 Genomes Project 0.09545; ExAC 0.10124.

Submissions (4):

Labcorp Genetics (formerly Invitae), Labcorp
Classification: Benign for Hypoplastic enamel-onycholysis-hypohidrosis syndrome. Last evaluated: 2026-02-04. Review status: criteria provided, single submitter. Criteria: Invitae Variant Classification Sherloc (09022015). Collection method: clinical testing. Allele origin: germline.

Blueprint Genetics
Classification: Benign. Last evaluated: 2024-11-26. Review status: criteria provided, single submitter. Criteria: ACMG Guidelines, 2015. Collection method: clinical testing. Allele origin: germline.

GeneDx
Classification: Benign. Last evaluated: 2021-05-05. Review status: criteria provided, single submitter. Criteria: GeneDx Variant Classification Process June 2021. Collection method: clinical testing. Allele origin: germline. Affected: yes.
Comment: This variant is associated with the following publications: (PMID: 25565750, 23731659)

Breakthrough Genomics
Classification: Benign. Review status: criteria provided, single submitter. Criteria: ACMG Guidelines, 2015. Collection method: not provided. Allele origin: germline. Inheritance: Autosomal dominant inheritance. Affected: yes.